The following is an entry in ClinVar:

NM_000059.4(BRCA2):c.1990G>A (p.Gly664Arg)

Gene: BRCA2 (BRCA2 DNA repair associated; plus strand). Cytogenetic location: 13q13.1.
Variant type: single nucleotide variant.
Coding change: c.1990G>A on transcript NM_000059.4 (MANE Select); coding-DNA position 1990, G replaced by A.
Protein change: p.Gly664Arg; replaces glycine 664 with arginine.
Molecular consequence: missense variant.
Genome position (GRCh38, 1-based): chr13:32,336,345, G>A. VCF-style: chr13-32336345-G-A. GRCh37 (hg19) VCF-style: chr13-32910482-G-A.
Other names: c.1990G>A (NM_000059.3); short protein forms G664R.
Identifiers: ClinVar variation 1026788 (VCV001026788.15), dbSNP rs1346252146, ClinGen allele CA387768645.

ClinVar aggregate classification (germline): Conflicting classifications of pathogenicity. Review status: criteria provided, conflicting classifications (1 of 4 stars). 4 submissions from 4 submitters: Uncertain significance (3); Likely benign (1). Last evaluated 2026-08-21.

Conditions:
Hereditary cancer-predisposing syndrome. Also called: Tumor predisposition; Hereditary Cancer Syndrome; Hereditary neoplastic syndrome; Neoplastic Syndromes, Hereditary. Identifiers: Orphanet 140162, MedGen C0027672, MeSH D009386, MONDO:0015356.
Hereditary breast ovarian cancer syndrome. Also called: Hereditary breast and/or ovarian cancer syndrome; Hereditary breast and ovarian cancer syndrome; BRCA1- and BRCA2-Associated Hereditary Breast and Ovarian Cancer; Breast and ovarian cancer; Hereditary breast and ovarian cancer; Hereditary breast and ovarian cancer syndrome (HBOC). Identifiers: Orphanet 145, MedGen C0677776, MeSH D061325, MONDO:0003582. Disease mechanism: loss of function.

Allele frequency attached by ClinVar (database versions not stated): gnomAD exomes below 0.00001.

Submissions (4):

Ambry Genetics
Classification: Uncertain significance for Hereditary cancer-predisposing syndrome. Last evaluated: 2026-08-21. Review status: criteria provided, single submitter. Criteria: Ambry Variant Classification Scheme 2023. Collection method: clinical testing. Allele origin: germline.
Comment: The p.G664R variant (also known as c.1990G>A), located in coding exon 10 of the BRCA2 gene, results from a G to A substitution at nucleotide position 1990. The glycine at codon 664 is replaced by arginine, an amino acid with dissimilar properties. This amino acid position is not well conserved in available vertebrate species. In addition, the in silico prediction for this alteration is inconclusive. Based on the available evidence, the clinical significance of this variant remains unclear.

Women's Health and Genetics/Laboratory Corporation of America, LabCorp
Classification: Uncertain significance. Last evaluated: 2025-06-16. Review status: criteria provided, single submitter. Criteria: LabCorp Variant Classification Summary - May 2015. Collection method: clinical testing. Allele origin: germline.

Labcorp Genetics (formerly Invitae), Labcorp
Classification: Uncertain significance for Hereditary breast ovarian cancer syndrome. Last evaluated: 2024-06-16. Review status: criteria provided, single submitter. Criteria: Invitae Variant Classification Sherloc (09022015). Collection method: clinical testing. Allele origin: germline.
Comment: This sequence change replaces glycine, which is neutral and non-polar, with arginine, which is basic and polar, at codon 664 of the BRCA2 protein (p.Gly664Arg). This variant is present in population databases (no rsID available, gnomAD 0.006%). This variant has not been reported in the literature in individuals affected with BRCA2-related conditions. ClinVar contains an entry for this variant (Variation ID: 1026788). Advanced modeling of protein sequence and biophysical properties (such as structural, functional, and spatial information, amino acid conservation, physicochemical variation, residue mobility, and thermodynamic stability) performed at Invitae indicates that this missense variant is not expected to disrupt BRCA2 protein function with a negative predictive value of 95%. In summary, the available evidence is currently insufficient to determine the role of this variant in disease. Therefore, it has been classified as a Variant of Uncertain Significance.

University of Washington Department of Laboratory Medicine, University of Washington
Classification: Likely benign for Hereditary cancer-predisposing syndrome. Last evaluated: 2023-03-23. Review status: criteria provided, single submitter. Criteria: Dines et al. (Genet Med. 2020). Collection method: curation. Allele origin: germline.
Comment: Missense variant in a coldspot region where missense variants are very unlikely to be pathogenic (PMID:31911673).

BRCA2 exon 11 coldspot. Reclassification based on statistical prior probability.